The following is an entry in ClinVar:

ClinVar aggregate classification (germline): Uncertain significance (1 of 4 stars; one submission).

Submission:

Women's Health and Genetics/Laboratory Corporation of America, LabCorp
Classification: Uncertain significance. Last evaluated: 2025-07-02. Review status: criteria provided, single submitter. Criteria: LabCorp Variant Classification Summary - May 2015. Collection method: clinical testing. Allele origin: germline.
Comment: Variant summary: PCNT c.8063A>T (p.Glu2688Val) results in a non-conservative amino acid change in the encoded protein sequence. Algorithms developed to predict the effect of missense changes on protein structure and function are either unavailable or do not agree on the potential impact of this missense change. Several computational tools predict a significant impact on normal splicing: One predict the variant abolishes a 5' splicing donor site. Three predict the variant weakens a 5' donor site. However, these predictions have yet to be confirmed by functional studies. The frequency data for this variant in gnomAD is considered unreliable, as metrics indicate poor data quality at this position. To our knowledge, no occurrence of c.8063A>T in individuals affected with Microcephalic Osteodysplastic Primordial Dwarfism Type II and no experimental evidence demonstrating its impact on protein function have been reported. No submitters have cited clinical-significance assessments for this variant to ClinVar. Based on the evidence outlined above, the variant was classified as uncertain significance.

NM_006031.6(PCNT):c.8063A>T (p.Glu2688Val)

Gene: PCNT (pericentrin; plus strand). Cytogenetic location: 21q22.3.
Variant type: single nucleotide variant.
Coding change: c.8063A>T on transcript NM_006031.6 (MANE Select); coding-DNA position 8063, A replaced by T.
Protein change: p.Glu2688Val; replaces glutamic acid 2688 with valine.
Molecular consequence: missense variant.
Genome position (GRCh38, 1-based): chr21:46,430,656, A>T. VCF-style: chr21-46430656-A-T. GRCh37 (hg19) VCF-style: chr21-47850570-A-T.
Other names: c.7709A>T, p.Glu2570Val (NM_001315529.2); short protein forms E2570V, E2688V.
Identifiers: ClinVar variation 3911969 (VCV003911969.2).